The following is an entry in ClinVar:

ClinVar aggregate classification (germline): Likely benign. Review status: criteria provided, multiple submitters, no conflicts (2 of 4 stars). 3 submissions from 3 submitters: Likely benign (2). 1 of the submissions does not count toward it. Last evaluated 2025-12-31.

Conditions:
ERCC4-related disorder. Also called: ERCC4-related condition.
Fanconi anemia complementation group Q. Identifiers: Orphanet 84, MedGen C3808988, MONDO:0014108, OMIM 615272.
Cockayne syndrome. Identifiers: Orphanet 191, MedGen C0009207, MONDO:0016006.
Xeroderma pigmentosum, group F (XPF). Also called: XERODERMA PIGMENTOSUM, COMPLEMENTATION GROUP F; ERCC4-Related Xeroderma Pigmentosum; XERODERMA PIGMENTOSUM VI; XP, GROUP F; XERODERMA PIGMENTOSUM, TYPE F; Xeroderma pigmentosum, type 6. Identifiers: MedGen C0268140, MONDO:0010215, OMIM 278760.

Allele frequency attached by ClinVar (database versions not stated): gnomAD exomes 0.00001; gnomAD 0.00007 and 0.00009; TOPMed 0.00007; ExAC 0.00001; ESP Exome Variant Server 0.00015.
gnomAD v4.1: 24 of 1,611,532 alleles (0.0015%); highest among the groups gnomAD compares: African/African-American, 0.031%; no homozygotes.

Submissions (3):

Labcorp Genetics (formerly Invitae), Labcorp
Classification: Likely benign for Fanconi anemia complementation group Q; Xeroderma pigmentosum, group F; Cockayne syndrome. Last evaluated: 2025-12-31. Review status: criteria provided, single submitter. Criteria: Invitae Variant Classification Sherloc (09022015). Collection method: clinical testing. Allele origin: germline.

Blueprint Genetics
Classification: Likely benign. Last evaluated: 2024-02-15. Review status: criteria provided, single submitter. Criteria: ACMG Guidelines, 2015. Collection method: clinical testing. Allele origin: germline.

PreventionGenetics, part of Exact Sciences
Classification: Likely benign for ERCC4-related condition. Last evaluated: 2019-07-15. Review status: no assertion criteria provided. Collection method: clinical testing. Allele origin: germline. Not counted in ClinVar's aggregate classification.
Comment: This variant is classified as likely benign based on ACMG/AMP sequence variant interpretation guidelines (Richards et al. 2015 PMID: 25741868, with internal and published modifications).

NM_005236.3(ERCC4):c.1123C>T (p.Leu375=)

Gene: ERCC4 (ERCC excision repair 4, endonuclease catalytic subunit; plus strand). Cytogenetic location: 16p13.12.
Variant type: single nucleotide variant.
Coding change: c.1123C>T on transcript NM_005236.3 (MANE Select); coding-DNA position 1123, C replaced by T.
Protein change: p.Leu375=; no amino-acid change (leucine 375 retained).
Molecular consequence: synonymous variant.
Genome position (GRCh38, 1-based): chr16:13,934,212, C>T. VCF-style: chr16-13934212-C-T. GRCh37 (hg19) VCF-style: chr16-14028069-C-T.
Identifiers: ClinVar variation 474201 (VCV000474201.14), dbSNP rs376695854, ClinGen allele CA7910406.
Genomic context (GRCh38, chr16:13,934,212, plus strand): 5'-ATATTATCACATAGAATGAGATATTTTTATTTCTCTACAGAAACAAAAAAGGAACTGGTC[C>T]TAGAAAGCAACCCAAAGTGGGAGGCACTGACTGAAGTATTAAAAGAAATTGAGGCAGAAA-3'
Protein context (NP_005227.1, residues 365-385): EGEETKKELV[Leu375=]ESNPKWEALT